The following is an entry in ClinVar:

NM_000274.4(OAT):c.1015-4G>A

Gene: OAT (ornithine aminotransferase; minus strand). Cytogenetic location: 10q26.13.
Variant type: single nucleotide variant.
Coding change: c.1015-4G>A on transcript NM_000274.4 (MANE Select); 4 bases into the intron before coding-DNA position 1015, G replaced by A.
Molecular consequence: intron variant.
Genome position (GRCh38, 1-based): chr10:124,400,988, C>T on the plus strand (G>A on the coding strand, the complement: OAT is on the minus strand). VCF-style: chr10-124400988-C-T. GRCh37 (hg19) VCF-style: chr10-126089557-C-T.
Other names: c.1015-4G>A (NM_001322965.2, NM_001322969.2, NM_001322966.2 and 4 more transcripts); c.601-4G>A (NM_001171814.2); c.415-4G>A (NM_001322974.2); c.694-4G>A (NM_001322971.2).
Identifiers: ClinVar variation 1097701 (VCV001097701.11), dbSNP rs1312077418, ClinGen allele CA596407349.
Genomic context (GRCh38, chr10:124,400,988, plus strand): 5'-TCTCAAGATAATGCCCAATTTGTCTGCATTTTCAGCAAGGTTTTCTTCTTCTAAAACCTA[C>T]GTTTAAAGAAAAATTATACAAATATTAAGACTGTCCTTTTTTTGTTTTTTGGAGGACAAC-3'

ClinVar aggregate classification (germline): Likely benign. Review status: criteria provided, single submitter (1 of 4 stars). 2 submissions from 2 submitters: Likely benign (1). 1 of the submissions does not count toward it. Last evaluated 2026-01-20.

Conditions:
Ornithine aminotransferase deficiency (GACR). Also called: Ornithine ketoacid aminotransferase deficiency; Gyrate atrophy; Gyrate atrophy of choroid and retina; Girate atrophy of the retina; HYPERORNITHINEMIA WITH GYRATE ATROPHY OF CHOROID AND RETINA; OAT DEFICIENCY. Identifiers: Orphanet 414, MedGen C0018425, MONDO:0009796, OMIM 258870.
OAT-related disorder. Also called: OAT-related condition.

gnomAD v4.1: 18 of 1,605,414 alleles (0.0011%); highest among the groups gnomAD compares: Middle Eastern, 0.017%; no homozygotes.

Submissions (2):

Labcorp Genetics (formerly Invitae), Labcorp
Classification: Likely benign for Ornithine aminotransferase deficiency. Last evaluated: 2026-01-20. Review status: criteria provided, single submitter. Criteria: Invitae Variant Classification Sherloc (09022015). Collection method: clinical testing. Allele origin: germline.

PreventionGenetics, part of Exact Sciences
Classification: Likely benign for OAT-related condition. Last evaluated: 2019-02-21. Review status: no assertion criteria provided. Collection method: clinical testing. Allele origin: germline. Not counted in ClinVar's aggregate classification.
Comment: This variant is classified as likely benign based on ACMG/AMP sequence variant interpretation guidelines (Richards et al. 2015 PMID: 25741868, with internal and published modifications).